The following is an entry in ClinVar:

NM_004655.4(AXIN2):c.1220_1246del (p.Ser407_Gly416delinsTrp)

Gene: AXIN2 (axin 2; minus strand). Cytogenetic location: 17q24.1.
Variant type: Deletion.
Coding change: c.1220_1246del on transcript NM_004655.4 (MANE Select); coding-DNA positions 1220 to 1246, 27 bases deleted (CCGAGCTCACACTCAATTCGCGGGAGG).
Protein change: p.Ser407_Gly416delinsTrp.
Molecular consequence: inframe indel.
Genome position (GRCh38, 1-based): chr17:65,537,790-65,537,816, CCTCCCGCGAATTGAGTGTGAGCTCGG deleted on the plus strand (CCGAGCTCACACTCAATTCGCGGGAGG on the coding strand, the reverse complement: AXIN2 is on the minus strand). VCF-style (leftmost placement, unchanged base first): chr17-65537789-CCCTCCCGCGAATTGAGTGTGAGCTCGG-C. GRCh37 (hg19) VCF-style: chr17-63533907-CCCTCCCGCGAATTGAGTGTGAGCTCGG-C.
Other names: c.1220_1246del (LRG_296t1); c.1220_1246delCCGAGCTCACACTCAATTCGCGGGAGG (NM_004655.3); c.1220_1246del, p.Ser407_Gly416delinsTrp (NM_001363813.1).
Identifiers: ClinVar variation 449974 (VCV000449974.9), dbSNP rs1555578092, ClinGen allele CA658658696.
Genomic context (GRCh38, chr17:65,537,789, plus strand): 5'-TGCGGGTCTTCCTCGTAGCTGCCGGAGGGCAGTAGGGAGAGGGGGTGCTGCGTGGGCGCC[CCCTCCCGCGAATTGAGTGTGAGCTCGG>C]AGCCCTCTCTCTCTTCATCCTGAAAGGGAAGACGTCAGAAGGAGAAGTGACCCAGGAAGC-3'

ClinVar aggregate classification (germline): Uncertain significance. Review status: criteria provided, multiple submitters, no conflicts (2 of 4 stars). 3 submissions from 3 submitters: Uncertain significance (3). Last evaluated 2022-12-19.

Conditions:
Hereditary cancer-predisposing syndrome. Also called: Neoplastic Syndromes, Hereditary; Hereditary neoplastic syndrome; Hereditary Cancer Syndrome; Tumor predisposition. Identifiers: Orphanet 140162, MedGen C0027672, MeSH D009386, MONDO:0015356.
Oligodontia-cancer predisposition syndrome. Also called: TOOTH AGENESIS-COLORECTAL CANCER SYNDROME. Identifiers: Orphanet 300576, MedGen C1837750, MONDO:0012075, OMIM 608615. Disease mechanism: loss of function.

Submissions (3):

Ambry Genetics
Classification: Uncertain significance for Hereditary cancer-predisposing syndrome. Last evaluated: 2022-12-19. Review status: criteria provided, single submitter. Criteria: Ambry Variant Classification Scheme 2023. Collection method: clinical testing. Allele origin: germline.
Comment: The c.1220_1246del27 variant (also known as p.S407_G416delinsW) is located in coding exon 5 of the AXIN2 gene. This variant results from an in-frame deletion of 27 nucleotides at nucleotide positions 1220 to 1246. This results in the in-frame deletion of 10 amino acids and the insertion of a tryptophan between codons 407 to 416. This amino acid region is generally not well conserved in available vertebrate species. Since supporting evidence is limited at this time, the clinical significance of this alteration remains unclear.

Labcorp Genetics (formerly Invitae), Labcorp
Classification: Uncertain significance for Oligodontia-cancer predisposition syndrome. Last evaluated: 2021-11-22. Review status: criteria provided, single submitter. Criteria: Invitae Variant Classification Sherloc (09022015). Collection method: clinical testing. Allele origin: germline.
Comment: This variant, c.1220_1246del, is a complex sequence change that results in the deletion of 10 and insertion of 1 amino acid(s) in the AXIN2 protein (p.Ser407_Gly416delinsTrp). This variant is not present in population databases (gnomAD no frequency). This variant has not been reported in the literature in individuals affected with AXIN2-related conditions. ClinVar contains an entry for this variant (Variation ID: 449974). Experimental studies and prediction algorithms are not available or were not evaluated, and the functional significance of this variant is currently unknown. In summary, the available evidence is currently insufficient to determine the role of this variant in disease. Therefore, it has been classified as a Variant of Uncertain Significance.

GeneDx
Classification: Uncertain significance. Last evaluated: 2018-01-16. Review status: criteria provided, single submitter. Criteria: GeneDx Variant Classification (06012015). Collection method: clinical testing. Allele origin: germline. Affected: yes.
Comment: This in-frame deletion of 27 nucleotides is denoted AXIN2 c.1220_1246del27 at the cDNA level, p.Ser407_Gly416delinsTrp (p.S407_G416delinsW) at the protein level. The surrounding sequence is GGCT[del27]GGGC. This deletion results in the loss of 10 amino acids (Serine, Glutamic Acid, Leucine, Threonine, Leucine, Asparagine, Serine, Arginine, Glutamic Acid, and Glycine) that are replaced with one incorrect amino acid (Tryptophan). This variant has not, to our knowledge, been published in the literature as pathogenic or benign. AXIN2 c.1220_1246del27 was not observed in large population cohorts (Lek 2016). This variant, resulting in an in-frame transcript, occurs in the GSK3/beta-catenin binding domain (Salahshor 2005). In-silico analysis, which includes protein predictors and evolutionary conservation, supports a deleterious effect. Based on currently available evidence, it is unclear whether AXIN2 c.1220_1246del27 is a pathogenic or benign variant. We consider it to be a variant of uncertain significance.